The following is an entry in ClinVar:

ClinVar aggregate classification (germline): Likely benign (1 of 4 stars; one submission).

Allele frequency attached by ClinVar (database versions not stated): ExAC 0.00002; ESP Exome Variant Server 0.00008; gnomAD 0.00009 and 0.00010; TOPMed 0.00009.
gnomAD v4.1: 24 of 1,613,032 alleles (0.0015%); highest among the groups gnomAD compares: African/African-American, 0.031%; no homozygotes.

Submission:

GeneDx
Classification: Likely benign. Last evaluated: 2016-07-06. Review status: criteria provided, single submitter. Criteria: GeneDx Variant Classification (06012015). Collection method: clinical testing. Allele origin: germline. Affected: yes.
Comment: This variant is considered likely benign or benign based on one or more of the following criteria: it is a conservative change, it occurs at a poorly conserved position in the protein, it is predicted to be benign by multiple in silico algorithms, and/or has population frequency not consistent with disease.

NM_017739.4(POMGNT1):c.-33C>T

Gene: POMGNT1 (protein O-linked mannose N-acetylglucosaminyltransferase 1 (beta 1,2-); minus strand). Cytogenetic location: 1p34.1.
Variant type: single nucleotide variant.
Coding change: c.-33C>T on transcript NM_017739.4 (MANE Select); 33 bases upstream of the start codon, C replaced by T.
Molecular consequence: 5 prime UTR variant.
Genome position (GRCh38, 1-based): chr1:46,197,854, G>A on the plus strand (C>T on the coding strand, the complement: POMGNT1 is on the minus strand). VCF-style: chr1-46197854-G-A. GRCh37 (hg19) VCF-style: chr1-46663526-G-A.
Other names: c.-33C>T (NM_001243766.2).
Identifiers: ClinVar variation 386966 (VCV000386966.1), dbSNP rs372379416, ClinGen allele CA833905.